The following is an entry in ClinVar:

ClinVar aggregate classification (germline): Uncertain significance (1 of 4 stars; one submission).

gnomAD v4.1: 1 of 1,614,048 alleles (0.000062%); highest among the groups gnomAD compares: Admixed American, 0.0017%; no homozygotes.

Submission:

Labcorp Genetics (formerly Invitae), Labcorp
Classification: Uncertain significance. Last evaluated: 2025-10-22. Review status: criteria provided, single submitter. Criteria: Invitae Variant Classification Sherloc (09022015). Collection method: clinical testing. Allele origin: germline.
Comment: This sequence change replaces alanine, which is neutral and non-polar, with glycine, which is neutral and non-polar, at codon 306 of the MYH7B protein (p.Ala306Gly). This variant is present in population databases (no rsID available, gnomAD 0.003%). This variant has not been reported in the literature in individuals affected with MYH7B-related conditions. Invitae Evidence Modeling of protein sequence and biophysical properties (such as structural, functional, and spatial information, amino acid conservation, physicochemical variation, residue mobility, and thermodynamic stability) indicates that this missense variant is not expected to disrupt MYH7B protein function with a negative predictive value of 80%. In summary, the available evidence is currently insufficient to determine the role of this variant in disease. Therefore, it has been classified as a Variant of Uncertain Significance.

NM_020884.7(MYH7B):c.791C>G (p.Ala264Gly)

Gene: MYH7B (myosin heavy chain 7B; plus strand). Cytogenetic location: 20q11.22.
Variant type: single nucleotide variant.
Coding change: c.791C>G on transcript NM_020884.7 (MANE Select); coding-DNA position 791, C replaced by G.
Protein change: p.Ala264Gly; replaces alanine 264 with glycine.
Molecular consequence: missense variant.
Genome position (GRCh38, 1-based): chr20:34,985,115, C>G. VCF-style: chr20-34985115-C-G. GRCh37 (hg19) VCF-style: chr20-33572918-C-G.
Other names: short protein forms A264G.
Identifiers: ClinVar variation 4743121 (VCV004743121.1).